The following is an entry in ClinVar:

ClinVar aggregate classification (germline): Uncertain significance (1 of 4 stars; one submission).

Submission:

Labcorp Genetics (formerly Invitae), Labcorp
Classification: Uncertain significance. Last evaluated: 2024-02-07. Review status: criteria provided, single submitter. Criteria: Invitae Variant Classification Sherloc (09022015). Collection method: clinical testing. Allele origin: germline.
Comment: This variant, c.3787_3792del, results in the deletion of 2 amino acid(s) of the SRCAP protein (p.Val1263_Ala1264del), but otherwise preserves the integrity of the reading frame. This variant is not present in population databases (gnomAD no frequency). This variant has not been reported in the literature in individuals affected with SRCAP-related conditions. Experimental studies and prediction algorithms are not available or were not evaluated, and the functional significance of this variant is currently unknown. In summary, the available evidence is currently insufficient to determine the role of this variant in disease. Therefore, it has been classified as a Variant of Uncertain Significance.

NM_006662.3(SRCAP):c.3787_3792del (p.Val1263_Ala1264del)

Gene: SRCAP (Snf2 related CREBBP activator protein; plus strand). Cytogenetic location: 16p11.2.
Variant type: Deletion.
Coding change: c.3787_3792del on transcript NM_006662.3 (MANE Select); coding-DNA positions 3787 to 3792, 6 bases deleted (GTGGCC; older notation c.3787_3792delGTGGCC).
Protein change: p.Val1263_Ala1264del.
Molecular consequence: inframe deletion.
Genome position (GRCh38, 1-based): chr16:30,722,643-30,722,648, GTGGCC deleted; deleting any 6 consecutive bases within chr16:30,722,639-30,722,648 gives the same sequence; the c. name uses the placement nearest the transcript's 3' end. VCF-style (leftmost placement, unchanged base first): chr16-30722638-AGGCCGT-A. GRCh37 (hg19) VCF-style: chr16-30733959-AGGCCGT-A.
Identifiers: ClinVar variation 2779030 (VCV002779030.3), dbSNP rs2053022089, ClinGen allele CA2216743760.